The following is an entry in ClinVar:

NM_007126.5(VCP):c.898ATC[1] (p.Ile301del)

Gene: VCP (valosin containing protein; minus strand). Cytogenetic location: 9p13.3.
Variant type: Microsatellite.
Coding change: c.898ATC[1] on transcript NM_007126.5 (MANE Select); one copy of the 3-base unit ATC starting at c.898; the reference has two copies in a row; one copy, 3 bases deleted; also written c.901_903del.
Protein change: p.Ile301del; deletes isoleucine 301.
Molecular consequence: inframe deletion.
Genome position (GRCh38, 1-based): chr9:35,062,259-35,062,261, GAT deleted on the plus strand (ATC on the coding strand, the reverse complement: VCP is on the minus strand); deleting any 3 consecutive bases within chr9:35,062,259-35,062,265 gives the same sequence; the position shown is the placement nearest the transcript's 3' end. VCF-style (leftmost placement, unchanged base first): chr9-35062258-AGAT-A. GRCh37 (hg19) VCF-style: chr9-35062255-AGAT-A.
Other names: NP_009057.1:p.Ile301del; c.763ATC[1], p.Ile256del (NM_001354927.2, NM_001354928.2); c.901_903del (NM_007126.5); short protein forms I256del, I301del.
Identifiers: ClinVar variation 2582680 (VCV002582680.1), dbSNP rs2490357979, ClinGen allele CA2582341989.

ClinVar aggregate classification (germline): Uncertain significance (1 of 4 stars; one submission).

Conditions:
Childhood Onset VCP-related Neurodevelopmental Disorder.

Submission:

The Division of Genetics and Genomic Medicine, Washington University School of Medicine
Classification: Uncertain significance for Childhood Onset VCP-related Neurodevelopmental Disorder. Last evaluated: 2023-09-01. Review status: criteria provided, single submitter. Criteria: ACMG Guidelines, 2015. Collection method: clinical testing. Allele origin: de novo. Affected: yes. Observed: 1 variant allele.
Comment: It is not present in gnomAD, and is predicted to shorten the protein product by one amino acid. In vitro ATPase assays show this variant has decreased ATPase activity compared to wildtype (Mah-Som et al, 2023).